The following is an entry in ClinVar:

ClinVar aggregate classification (germline): Uncertain significance (1 of 4 stars; one submission).

Conditions:
Lipoic acid synthetase deficiency. Also called: HYPERGLYCINEMIA, LACTIC ACIDOSIS, AND SEIZURES. Identifiers: Orphanet 401859, MedGen C3280887, MONDO:0013762, OMIM 614462.

Allele frequency attached by ClinVar (database versions not stated): gnomAD exomes below 0.00001; TOPMed below 0.00001; ExAC 0.00001.
gnomAD v4.1: 1 of 1,590,686 alleles (0.000063%); highest among the groups gnomAD compares: Non-Finnish European, 0.000085%; no homozygotes.

Submission:

Labcorp Genetics (formerly Invitae), Labcorp
Classification: Uncertain significance for Lipoic acid synthetase deficiency. Last evaluated: 2023-07-21. Review status: criteria provided, single submitter. Criteria: Invitae Variant Classification Sherloc (09022015). Collection method: clinical testing. Allele origin: germline.
Comment: Advanced modeling of protein sequence and biophysical properties (such as structural, functional, and spatial information, amino acid conservation, physicochemical variation, residue mobility, and thermodynamic stability) performed at Invitae indicates that this missense variant is not expected to disrupt LIAS protein function. In summary, the available evidence is currently insufficient to determine the role of this variant in disease. Therefore, it has been classified as a Variant of Uncertain Significance. This sequence change replaces isoleucine, which is neutral and non-polar, with valine, which is neutral and non-polar, at codon 207 of the LIAS protein (p.Ile207Val). This variant is present in population databases (rs765961914, gnomAD 0.0009%). This variant has not been reported in the literature in individuals affected with LIAS-related conditions. ClinVar contains an entry for this variant (Variation ID: 1359492).

NM_006859.4(LIAS):c.619A>G (p.Ile207Val)

Gene: LIAS (lipoic acid synthetase; plus strand). Cytogenetic location: 4p14.
Variant type: single nucleotide variant.
Coding change: c.619A>G on transcript NM_006859.4 (MANE Select); coding-DNA position 619, A replaced by G.
Protein change: p.Ile207Val; replaces isoleucine 207 with valine.
Molecular consequence: missense variant. On other transcripts: intron variant (1).
Genome position (GRCh38, 1-based): chr4:39,467,528, A>G. VCF-style: chr4-39467528-A-G. GRCh37 (hg19) VCF-style: chr4-39469148-A-G.
Other names: c.310A>G, p.Ile104Val (NM_001363700.2); c.619A>G, p.Ile207Val (NM_194451.3); c.608+2186A>G (NM_001278590.2); short protein forms I207V, I104V.
Identifiers: ClinVar variation 1359492 (VCV001359492.8), dbSNP rs765961914, ClinGen allele CA2894734.